The following is an entry in ClinVar:

NM_000334.4(SCN4A):c.3424C>T (p.Arg1142Ter)

Genes: SCN4A (sodium voltage-gated channel alpha subunit 4; minus strand), GH-LCR (growth hormone locus control region; plus strand). Cytogenetic location: 17q23.3.
Variant type: single nucleotide variant.
Coding change: c.3424C>T on transcript NM_000334.4 (MANE Select); coding-DNA position 3424, C replaced by T.
Protein change: p.Arg1142Ter; replaces arginine 1142 with a stop codon.
Molecular consequence: nonsense.
Genome position (GRCh38, 1-based): chr17:63,947,062, G>A on the plus strand (C>T on the coding strand, the complement: SCN4A is on the minus strand). VCF-style: chr17-63947062-G-A. GRCh37 (hg19) VCF-style: chr17-62024422-G-A.
Other names: short protein forms R1142*.
Identifiers: ClinVar variation 453303 (VCV000453303.4), dbSNP rs912001256, ClinGen allele CA292962490.

ClinVar aggregate classification (germline): Conflicting classifications of pathogenicity. Review status: criteria provided, conflicting classifications (1 of 4 stars). 2 submissions from 2 submitters: Pathogenic (1); Uncertain significance (1). Last evaluated 2017-09-01.

Conditions:
Myopathy. Identifiers: MedGen C0026848, MeSH D009135, MONDO:0005336, HP:0003198.
Severe neonatal hypotonia improving with age.

Allele frequency attached by ClinVar (database versions not stated): TOPMed below 0.00001.
gnomAD v4.1: 3 of 1,566,118 alleles (0.00019%); highest among the groups gnomAD compares: Non-Finnish European, 0.00026%; no homozygotes.

Submissions (2):

Baylor Genetics
Classification: Uncertain significance for Severe neonatal hypotonia improving with age. Last evaluated: 2017-09-01. Review status: criteria provided, single submitter. Criteria: ACMG Guidelines, 2015. Collection method: clinical testing. Allele origin: maternal. Inheritance: Autosomal unknown. Affected: yes.

Undiagnosed Diseases Network, NIH
Classification: Pathogenic for Myopathy. Last evaluated: 2016-08-12. Review status: criteria provided, single submitter. Criteria: ACMG Guidelines, 2015. Collection method: clinical testing. Allele origin: maternal. Inheritance: Autosomal recessive inheritance. Affected: yes. Observed: 2 variant alleles, 2 compound heterozygotes. Clinical features observed: Ventricular septal defect (HP:0001629), Small for gestational age (HP:0001518), Primary Caesarian section (HP:0030363), Neonatal hypotonia (HP:0001319), Mandibular condyle hypoplasia (HP:0007628), Low-set ears (HP:0000369), Intrauterine growth retardation (HP:0001511), Increased variability in muscle fiber diameter (HP:0003557), High palate (HP:0000218), Gastrostomy tube feeding in infancy (HP:0011471), Dysphagia (HP:0002015), Diminished movement (HP:0002374), and 5 more.
Comment: This frameshift variant is categorized as deleterious according to ACMG guidelines (PMID:18414213) and was found twice in our study in trans with a previously reported pathogenic variant (R675Q) in a set of siblings with severe congenital hypotonia, which resolved after infancy, and congenital heart defects.

Literature cited by the submitters: PubMed 25326635 (cited by Baylor Genetics).